The following is an entry in ClinVar:

ClinVar aggregate classification (germline): Uncertain significance. Review status: criteria provided, multiple submitters, no conflicts (2 of 4 stars). 3 submissions from 3 submitters: Uncertain significance (3). Last evaluated 2026-08-28.

Conditions:
ITGA2B-related disorder. Also called: ITGA2B-related condition; ITGA2B-related disorders.
Glanzmann thrombasthenia. Also called: THROMBASTHENIA OF GLANZMANN AND NAEGELI; Glanzmann's thrombasthenia; PLATELET GLYCOPROTEIN IIb-IIIa DEFICIENCY; Thrombasthenia. Identifiers: Orphanet 849, MedGen C0040015, MONDO:0100326.
Inborn genetic diseases. Identifiers: MedGen C0950123, MeSH D030342.

gnomAD v4.1: 43 of 1,610,674 alleles (0.0027%); highest among the groups gnomAD compares: African/African-American, 0.016%; no homozygotes.

Submissions (3):

PreventionGenetics, part of Exact Sciences
Classification: Uncertain significance for ITGA2B-related condition. Last evaluated: 2026-08-28. Review status: criteria provided, single submitter. Criteria: ACMG Guidelines, 2015. Collection method: clinical testing. Allele origin: germline.
Comment: The ITGA2B c.2092G>A variant is predicted to result in the amino acid substitution p.Glu698Lys. To our knowledge, this variant has not been reported in the literature. This variant is reported in 0.024% of alleles in individuals of African descent in gnomAD. At this time, the clinical significance of this variant is uncertain due to the absence of conclusive functional and genetic evidence.

Labcorp Genetics (formerly Invitae), Labcorp
Classification: Uncertain significance for Glanzmann thrombasthenia. Last evaluated: 2025-09-25. Review status: criteria provided, single submitter. Criteria: Invitae Variant Classification Sherloc (09022015). Collection method: clinical testing. Allele origin: germline.
Comment: This sequence change replaces glutamic acid, which is acidic and polar, with lysine, which is basic and polar, at codon 698 of the ITGA2B protein (p.Glu698Lys). The frequency data for this variant in the population databases is considered unreliable, as metrics indicate poor data quality at this position in the gnomAD database. This variant has not been reported in the literature in individuals affected with ITGA2B-related conditions. ClinVar contains an entry for this variant (Variation ID: 3530345). An algorithm developed to predict the effect of missense changes on protein structure and function outputs the following: PolyPhen-2: "Benign". The lysine amino acid residue is found in multiple mammalian species, which suggests that this missense change does not adversely affect protein function. In summary, the available evidence is currently insufficient to determine the role of this variant in disease. Therefore, it has been classified as a Variant of Uncertain Significance.

Ambry Genetics
Classification: Uncertain significance for Inborn genetic diseases. Last evaluated: 2024-10-01. Review status: criteria provided, single submitter. Criteria: Ambry Variant Classification Scheme 2023. Collection method: clinical testing. Allele origin: germline.

NM_000419.5(ITGA2B):c.2092G>A (p.Glu698Lys)

Gene: ITGA2B (integrin subunit alpha 2b; minus strand). Cytogenetic location: 17q21.31.
Variant type: single nucleotide variant.
Coding change: c.2092G>A on transcript NM_000419.5 (MANE Select); coding-DNA position 2092, G replaced by A.
Protein change: p.Glu698Lys; replaces glutamic acid 698 with lysine.
Molecular consequence: missense variant.
Genome position (GRCh38, 1-based): chr17:44,378,364, C>T on the plus strand (G>A on the coding strand, the complement: ITGA2B is on the minus strand). VCF-style: chr17-44378364-C-T. GRCh37 (hg19) VCF-style: chr17-42455732-C-T.
Other names: c.2092G>A (NM_000419.4); short protein forms E698K.
Identifiers: ClinVar variation 3530345 (VCV003530345.3).